The following is an entry in ClinVar:

ClinVar aggregate classification (germline): Uncertain significance (0 of 4 stars; one submission).

Conditions:
GIGYF1-related disorder. Also called: GIGYF1-related condition.

Submission:

PreventionGenetics, part of Exact Sciences
Classification: Uncertain significance for GIGYF1-related condition. Last evaluated: 2024-09-17. Review status: no assertion criteria provided. Collection method: clinical testing. Allele origin: germline.
Comment: The GIGYF1 c.2935C>G variant is predicted to result in the amino acid substitution p.Leu979Val. To our knowledge, this variant has not been reported in the literature or in a large population database, indicating this variant is rare. At this time, the clinical significance of this variant is uncertain due to the absence of conclusive functional and genetic evidence.

NM_001375765.1(GIGYF1):c.2935C>G (p.Leu979Val)

Gene: GIGYF1 (GRB10 interacting GYF protein 1; minus strand). Cytogenetic location: 7q22.1.
Variant type: single nucleotide variant.
Coding change: c.2935C>G on transcript NM_001375765.1 (MANE Select); coding-DNA position 2935, C replaced by G.
Protein change: p.Leu979Val; replaces leucine 979 with valine.
Molecular consequence: missense variant. On other transcripts: non-coding transcript variant (1).
Genome position (GRCh38, 1-based): chr7:100,681,984, G>C on the plus strand (C>G on the coding strand, the complement: GIGYF1 is on the minus strand). VCF-style: chr7-100681984-G-C. GRCh37 (hg19) VCF-style: chr7-100279607-G-C.
Other names: NM_022574.4:c.2935C>G; c.2935C>G, p.Leu979Val (NM_001375759.1, NM_001375760.1, NM_001375761.1 and 5 more transcripts); c.2932C>G, p.Leu978Val (NM_001375768.1); short protein forms L978V, L979V.
Identifiers: ClinVar variation 3350284 (VCV003350284.1).